The following is an entry in ClinVar:

NM_022081.6(HPS4):c.707-3C>G

Gene: HPS4 (HPS4 biogenesis of lysosomal organelles complex 3 subunit 2; minus strand). Cytogenetic location: 22q12.1.
Variant type: single nucleotide variant.
Coding change: c.707-3C>G on transcript NM_022081.6 (MANE Select); 3 bases into the intron before coding-DNA position 707, C replaced by G.
Molecular consequence: intron variant.
Genome position (GRCh38, 1-based): chr22:26,465,554, G>C on the plus strand (C>G on the coding strand, the complement: HPS4 is on the minus strand). VCF-style: chr22-26465554-G-C. GRCh37 (hg19) VCF-style: chr22-26861520-G-C.
Other names: c.707-3C>G (NM_001349905.1, NM_001349904.2, NM_001349902.1 and 4 more transcripts); c.761-3C>G (NM_001349901.1, NM_001349900.2); c.692-3C>G (NM_152841.2).
Identifiers: ClinVar variation 1350460 (VCV001350460.4), dbSNP rs766777074, ClinGen allele CA10163517.
Genomic context (GRCh38, chr22:26,465,554, plus strand): 5'-GCTTCCTCTTTGGTCACAAAAACAGGGATAATCTGGACATTCGGGGGCAATGCCGCTCCT[G>C]GAATTGCAAAGCAATATGAACAGGACTTTCCCCTGAGCCAGAGAGGGCAGCGGGGCAATA-3'

ClinVar aggregate classification (germline): Uncertain significance. Review status: criteria provided, multiple submitters, no conflicts (2 of 4 stars). 2 submissions from 2 submitters: Uncertain significance (2). Last evaluated 2024-04-24.

Allele frequency attached by ClinVar (database versions not stated): gnomAD 0.00001.
gnomAD v4.1: 31 of 1,612,578 alleles (0.0019%); highest among the groups gnomAD compares: Non-Finnish European, 0.0025%; no homozygotes.

Submissions (2):

Blueprint Genetics
Classification: Uncertain significance. Last evaluated: 2024-04-24. Review status: criteria provided, single submitter. Criteria: ACMG Guidelines, 2015. Collection method: clinical testing. Allele origin: germline.

Labcorp Genetics (formerly Invitae), Labcorp
Classification: Uncertain significance. Last evaluated: 2021-04-23. Review status: criteria provided, single submitter. Criteria: Invitae Variant Classification Sherloc (09022015). Collection method: clinical testing. Allele origin: germline.
Comment: This sequence change falls in intron 9 of the HPS4 gene. It does not directly change the encoded amino acid sequence of the HPS4 protein. It affects a nucleotide within the consensus splice site of the intron. This variant is present in population databases (rs766777074, ExAC 0.001%). This variant has not been reported in the literature in individuals with HPS4-related conditions. Nucleotide substitutions within the consensus splice site are a relatively common cause of aberrant splicing (PMID: 17576681, 9536098). Algorithms developed to predict the effect of sequence changes on RNA splicing suggest that this variant may disrupt the consensus splice site, but this prediction has not been confirmed by published transcriptional studies. In summary, the available evidence is currently insufficient to determine the role of this variant in disease. Therefore, it has been classified as a Variant of Uncertain Significance.

Literature cited by the submitters: PubMed 17576681 (cited by Labcorp Genetics (formerly Invitae), Labcorp); PubMed 9536098 (cited by Labcorp Genetics (formerly Invitae), Labcorp).